The following is an entry in ClinVar:

ClinVar aggregate classification (germline): Likely benign (1 of 4 stars; one submission).

Allele frequency attached by ClinVar (database versions not stated): ExAC 0.00006; gnomAD 0.00006; ESP Exome Variant Server 0.00008; gnomAD exomes 0.00009; TOPMed 0.00011.
gnomAD v4.1: 156 of 1,612,436 alleles (0.0097%); highest among the groups gnomAD compares: Non-Finnish European, 0.011%; no homozygotes.

Submission:

CeGaT Center for Human Genetics Tuebingen
Classification: Likely benign. Last evaluated: 2022-11-01. Review status: criteria provided, single submitter. Criteria: CeGaT Center For Human Genetics Tuebingen Variant Classification Criteria Version 2. Collection method: clinical testing. Allele origin: germline. Affected: yes. Observed: 1 variant allele.
Comment: ZNF225: BP4

NM_013362.4(ZNF225):c.15+7A>G

Gene: ZNF225 (zinc finger protein 225; plus strand). Cytogenetic location: 19q13.31.
Variant type: single nucleotide variant.
Coding change: c.15+7A>G on transcript NM_013362.4 (MANE Select); 7 bases into the intron after coding-DNA position 15, A replaced by G.
Molecular consequence: intron variant.
Genome position (GRCh38, 1-based): chr19:44,115,849, A>G. VCF-style: chr19-44115849-A-G. GRCh37 (hg19) VCF-style: chr19-44620002-A-G.
Other names: c.15+7A>G (NM_001321685.2).
Identifiers: ClinVar variation 2650076 (VCV002650076.24), dbSNP rs370661793, ClinGen allele CA9496292.